The following is an entry in ClinVar:

ClinVar aggregate classification (germline): Uncertain significance (1 of 4 stars; one submission).

Submission:

Labcorp Genetics (formerly Invitae), Labcorp
Classification: Uncertain significance. Last evaluated: 2024-02-17. Review status: criteria provided, single submitter. Criteria: Invitae Variant Classification Sherloc (09022015). Collection method: clinical testing. Allele origin: germline.
Comment: This sequence change replaces cysteine, which is neutral and slightly polar, with arginine, which is basic and polar, at codon 307 of the FERMT1 protein (p.Cys307Arg). This variant is not present in population databases (gnomAD no frequency). This variant has not been reported in the literature in individuals affected with FERMT1-related conditions. ClinVar contains an entry for this variant (Variation ID: 1496131). Advanced modeling of protein sequence and biophysical properties (such as structural, functional, and spatial information, amino acid conservation, physicochemical variation, residue mobility, and thermodynamic stability) performed at Invitae indicates that this missense variant is expected to disrupt FERMT1 protein function with a positive predictive value of 80%. In summary, the available evidence is currently insufficient to determine the role of this variant in disease. Therefore, it has been classified as a Variant of Uncertain Significance.

NM_017671.5(FERMT1):c.919T>C (p.Cys307Arg)

Gene: FERMT1 (FERM domain containing kindlin 1; minus strand). Cytogenetic location: 20p12.3.
Variant type: single nucleotide variant.
Coding change: c.919T>C on transcript NM_017671.5 (MANE Select); coding-DNA position 919, T replaced by C.
Protein change: p.Cys307Arg; replaces cysteine 307 with arginine.
Molecular consequence: missense variant.
Genome position (GRCh38, 1-based): chr20:6,097,562, A>G on the plus strand (T>C on the coding strand, the complement: FERMT1 is on the minus strand). VCF-style: chr20-6097562-A-G. GRCh37 (hg19) VCF-style: chr20-6078209-A-G.
Other names: short protein forms C307R.
Identifiers: ClinVar variation 1496131 (VCV001496131.6), dbSNP rs764567711, ClinGen allele CA408183229.